The following is an entry in ClinVar:

NM_138420.4(AHNAK2):c.9085G>C (p.Glu3029Gln)

Gene: AHNAK2 (AHNAK nucleoprotein 2; minus strand). Cytogenetic location: 14q32.33.
Variant type: single nucleotide variant.
Coding change: c.9085G>C on transcript NM_138420.4 (MANE Select); coding-DNA position 9085, G replaced by C.
Protein change: p.Glu3029Gln; replaces glutamic acid 3029 with glutamine.
Molecular consequence: missense variant.
Genome position (GRCh38, 1-based): chr14:104,946,366, C>G on the plus strand (G>C on the coding strand, the complement: AHNAK2 is on the minus strand). VCF-style: chr14-104946366-C-G. GRCh37 (hg19) VCF-style: chr14-105412703-C-G.
Other names: c.8785G>C, p.Glu2929Gln (NM_001350929.2); short protein forms E3029Q, E2929Q.
Identifiers: ClinVar variation 402350 (VCV000402350.5), dbSNP rs192951700, ClinGen allele CA7379761.

ClinVar aggregate classification (germline): Benign. Review status: criteria provided, multiple submitters, no conflicts (2 of 4 stars). 2 submissions from 2 submitters: Benign (2). Last evaluated 2016-03-29.

Allele frequency attached by ClinVar (database versions not stated): gnomAD exomes 0.00203 and 0.00632; gnomAD 0.00211 and 0.00345; ExAC 0.00619; 1000 Genomes Project 30x 0.01608; 1000 Genomes Project 0.01617.

Submissions (2):

Laboratory for Molecular Medicine, Mass General Brigham Personalized Medicine
Classification: Benign. Last evaluated: 2016-03-29. Review status: criteria provided, single submitter. Criteria: LMM Criteria. Collection method: clinical testing. Allele origin: germline.
Comment: Variant identified in a genome or exome case(s) and assessed due to predicted null impact of the variant or pathogenic assertions in the literature or databases. Disclaimer: This variant has not undergone full assessment. The following are preliminary notes: Frequency

Breakthrough Genomics
Classification: Benign. Review status: criteria provided, single submitter. Criteria: ACMG Guidelines, 2015. Collection method: not provided. Allele origin: germline. Inheritance: Unknown mechanism. Affected: yes.